The following is an entry in ClinVar:

NM_001110556.2(FLNA):c.2433C>T (p.Ala811=)

Gene: FLNA (filamin A; minus strand). Cytogenetic location: Xq28.
Variant type: single nucleotide variant.
Coding change: c.2433C>T on transcript NM_001110556.2 (MANE Select); coding-DNA position 2433, C replaced by T.
Protein change: p.Ala811=; no amino-acid change (alanine 811 retained).
Molecular consequence: synonymous variant.
Genome position (GRCh38, 1-based): chrX:154,362,550, G>A on the plus strand (C>T on the coding strand, the complement: FLNA is on the minus strand). VCF-style: chrX-154362550-G-A. GRCh37 (hg19) VCF-style: chrX-153590918-G-A.
Other names: p.A811A:GCC>GCT; p.Ala811=; c.2433C>T, p.Ala811= (NM_001456.4).
Identifiers: ClinVar variation 129069 (VCV000129069.40), dbSNP rs35986650, ClinGen allele CA288855.

ClinVar aggregate classification (germline): Benign/Likely benign. Review status: criteria provided, multiple submitters, no conflicts (2 of 4 stars). 10 submissions from 10 submitters: Benign (7); Likely benign (3). Last evaluated 2026-02-03.

Conditions:
Heterotopia, periventricular, X-linked dominant (PVNH1). Also called: PERIVENTRICULAR NODULAR HETEROTOPIA 4; HETEROTOPIA, PERIVENTRICULAR, 1; PERIVENTRICULAR NODULAR HETEROTOPIA 1; X-linked periventricular heterotopia. Identifiers: Orphanet 2149, Orphanet 82004, MedGen C1848213, MONDO:0010233, OMIM 300049.
Melnick-Needles syndrome (MNS). Also called: MELNICK-NEEDLES OSTEODYSPLASTY; OSTEODYSPLASTY OF MELNICK AND NEEDLES; Melnick-Needles Syndrome (FLNA-MNS). Identifiers: Orphanet 2484, MedGen C0025237, MONDO:0010650, OMIM 309350.
Frontometaphyseal dysplasia (FMD1). Identifiers: Orphanet 1826, MedGen C0265293, MONDO:0015942.
Oto-palato-digital syndrome, type II (OPD2). Also called: Otopalatodigital Syndrome, Type II; OPD II SYNDROME; FACIOPALATOOSSEOUS SYNDROME; Otopalatodigital Syndrome Type 2 (FLNA-OPD2). Identifiers: Orphanet 669, Orphanet 90652, MedGen C1844696, MONDO:0010571, OMIM 304120.
Familial thoracic aortic aneurysm and aortic dissection (TAAD). Also called: Thoracic aortic aneurysms and dissections. Identifiers: Orphanet 91387, MedGen C4707243, MONDO:0019625.

Allele frequency attached by ClinVar (database versions not stated): gnomAD exomes 0.00338 and 0.00125; gnomAD 0.01166 and 0.01258; 1000 Genomes Project 30x 0.01332; 1000 Genomes Project 0.01166; ExAC 0.00393; TOPMed 0.01433; ESP Exome Variant Server 0.01594.
gnomAD v4.1: 2,753 of 1,210,108 alleles (0.23%); highest among the groups gnomAD compares: African/African-American, 4.1%; 49 homozygotes.

Submissions (10):

Labcorp Genetics (formerly Invitae), Labcorp
Classification: Benign for Oto-palato-digital syndrome, type II; Heterotopia, periventricular, X-linked dominant; Frontometaphyseal dysplasia; Melnick-Needles syndrome. Last evaluated: 2026-02-03. Review status: criteria provided, single submitter. Criteria: Invitae Variant Classification Sherloc (09022015). Collection method: clinical testing. Allele origin: germline.

Molecular Diagnostic Laboratory for Inherited Cardiovascular Disease, Montreal Heart Institute
Classification: Likely benign. Last evaluated: 2025-07-24. Review status: criteria provided, single submitter. Criteria: ACMG Guidelines, 2015. Collection method: clinical testing. Allele origin: germline. Affected: no.
Comment: BS1;BP7

ARUP Laboratories, Molecular Genetics and Genomics, ARUP Laboratories
Classification: Benign. Last evaluated: 2024-10-28. Review status: criteria provided, single submitter. Criteria: ARUP Molecular Germline Variant Investigation Process 2024. Collection method: clinical testing. Allele origin: germline.

Mayo Clinic Laboratories, Mayo Clinic
Classification: Benign. Last evaluated: 2023-09-22. Review status: criteria provided, single submitter. Criteria: ACMG Guidelines, 2015. Collection method: clinical testing. Allele origin: germline. Observed: 28 variant alleles.
Comment: BS1, BS2, BP4, BP7

Women's Health and Genetics/Laboratory Corporation of America, LabCorp
Classification: Benign. Last evaluated: 2023-07-21. Review status: criteria provided, single submitter. Criteria: LabCorp Variant Classification Summary - May 2015. Collection method: clinical testing. Allele origin: germline.

Ambry Genetics
Classification: Likely benign for Familial thoracic aortic aneurysm and aortic dissection. Last evaluated: 2015-02-27. Review status: criteria provided, single submitter. Criteria: Ambry Variant Classification Scheme 2023. Collection method: clinical testing. Allele origin: germline.

GeneDx
Classification: Benign. Last evaluated: 2014-06-26. Review status: criteria provided, single submitter. Criteria: GeneDx Variant Classification (06012015). Collection method: clinical testing. Allele origin: germline. Affected: yes.
Comment: This variant is considered likely benign or benign based on one or more of the following criteria: it is a conservative change, it occurs at a poorly conserved position in the protein, it is predicted to be benign by multiple in silico algorithms, and/or has population frequency not consistent with disease.

Eurofins Ntd Llc (ga)
Classification: Benign. Last evaluated: 2014-06-05. Review status: criteria provided, single submitter. Criteria: EGL Classification Definitions 2015. Collection method: clinical testing. Allele origin: germline. Observed: 1 variant allele, 1 heterozygote.

Genetic Services Laboratory, University of Chicago
Classification: Benign for AllHighlyPenetrant. Last evaluated: 2013-04-10. Review status: criteria provided, single submitter. Criteria: ACMG Guidelines, 2007. Collection method: clinical testing. Allele origin: germline. Inheritance: X-linked inheritance.

Breakthrough Genomics
Classification: Likely benign. Review status: criteria provided, single submitter. Criteria: ACMG Guidelines, 2015. Collection method: not provided. Allele origin: germline. Inheritance: X-linked inheritance. Affected: yes.